The following is an entry in ClinVar:

ClinVar aggregate classification (germline): Uncertain significance (1 of 4 stars; one submission).

Allele frequency attached by ClinVar (database versions not stated): gnomAD 0.00005 and 0.00006; gnomAD exomes 0.00005 and 0.00008; TOPMed 0.00007; ExAC 0.00010.
gnomAD v4.1: 91 of 1,613,340 alleles (0.0056%); highest among the groups gnomAD compares: Non-Finnish European, 0.0033%; no homozygotes.

Submission:

Ambry Genetics
Classification: Uncertain significance. Last evaluated: 2021-10-06. Review status: criteria provided, single submitter. Criteria: Ambry Variant Classification Scheme 2023. Collection method: clinical testing. Allele origin: germline.

NM_015106.4(RAD54L2):c.3841G>A (p.Val1281Met)

Gene: RAD54L2 (RAD54 like 2; plus strand). Cytogenetic location: 3p21.2.
Variant type: single nucleotide variant.
Coding change: c.3841G>A on transcript NM_015106.4 (MANE Select); coding-DNA position 3841, G replaced by A.
Protein change: p.Val1281Met; replaces valine 1281 with methionine.
Molecular consequence: missense variant.
Genome position (GRCh38, 1-based): chr3:51,662,857, G>A. VCF-style: chr3-51662857-G-A. GRCh37 (hg19) VCF-style: chr3-51696873-G-A.
Other names: c.3841G>A, p.Val1281Met (NM_001322253.2, NM_001322256.2); c.3835G>A, p.Val1279Met (NM_001387866.1); c.3826G>A, p.Val1276Met (NM_001387867.1); c.3685G>A, p.Val1229Met (NM_001387869.1); short protein forms V1229M, V1276M, V1279M, V1281M.
Identifiers: ClinVar variation 1701789 (VCV001701789.5), dbSNP rs754407997, ClinGen allele CA2424502.